The following is an entry in ClinVar:

ClinVar aggregate classification (germline): Conflicting classifications of pathogenicity. Review status: criteria provided, conflicting classifications (1 of 4 stars). 10 submissions from 10 submitters: Pathogenic (2); Likely pathogenic (6); Uncertain significance (1). 1 of the submissions does not count toward it. Last evaluated 2026-05-11.

Conditions:
Cardiovascular phenotype. Identifiers: MedGen CN230736.
Dilated cardiomyopathy 1M (CMD1M). Identifiers: Orphanet 154, MedGen C1843808, MONDO:0011840, OMIM 607482.
Hypertrophic cardiomyopathy 12. Identifiers: MedGen C2677491, MONDO:0012804, OMIM 612124.
Cardiomyopathy (CMYO). Also called: Cardiomyopathies. Identifiers: Orphanet 167848, MedGen C0878544, MONDO:0004994, HP:0001638. Inheritance: Various modes of inheritance.
Primary familial hypertrophic cardiomyopathy (HCM). Identifiers: Orphanet 99739, MedGen C0949658, MeSH D024741, MONDO:0024573. Inheritance: Various modes of inheritance.

Allele frequency attached by ClinVar (database versions not stated): ExAC 0.00001; gnomAD 0.00001; gnomAD exomes 0.00001 and 0.00003; TOPMed 0.00001.
gnomAD v4.1: 42 of 1,614,128 alleles (0.0026%); highest among the groups gnomAD compares: Non-Finnish European, 0.0034%; no homozygotes.

Submissions (10):

GeneDx
Classification: Likely pathogenic. Last evaluated: 2026-05-11. Review status: criteria provided, single submitter. Criteria: GeneDx Variant Classification Process June 2021. Collection method: clinical testing. Allele origin: germline.
Comment: Identified in patients with HCM in published literature (PMID: 23396983, 25351510, 33035702, 34495297); Not observed at significant frequency in large population cohorts (gnomAD); In silico analysis supports that this missense variant has a deleterious effect on protein structure/function; This variant is associated with the following publications: (PMID: 25351510, 34495297, 31919335, 34558151, 23396983, 36935760, 33035702, 41175027, 33495596)

Victorian Clinical Genetics Services, Murdoch Childrens Research Institute
Classification: Likely pathogenic for Hypertrophic cardiomyopathy 12. Last evaluated: 2026-03-09. Review status: criteria provided, single submitter. Criteria: ACMG Guidelines, 2015. Collection method: clinical testing. Allele origin: germline. Affected: yes.
Comment: This variant is classified as Likely pathogenic. Evidence in support of pathogenic classification: Variant is present in gnomAD <0.01 (v4: 42 heterozygotes, 0 homozygotes); This variant has strong previous evidence of pathogenicity in unrelated individuals. This variant has been reported in at least sixteen unrelated individuals with hypertrophic cardiomyopathy (PMIDs: 33035702, 23396983, 25351510). It has also been classified as pathogenic/likely pathogenic in multiple clinical testing laboratories (ClinVar). Age-dependent penetrance has been reported for this variant (PMID: 33035702); Missense variant consistently predicted to be damaging by multiple in silico tools or highly conserved with a major amino acid change. Additional information: Variant is predicted to result in a missense amino acid change from Cys to Tyr; This variant is heterozygous; This gene is associated with both recessive and dominant disease. Individuals with biallelic variants have a more severe phenotype and/or an earlier onset of symptoms (PMID: 33035702); No published functional evidence has been identified for this variant; No comparable missense variants have previous evidence for pathogenicity; Variant is located in the annotated LIM domain (DECIPHER); Loss of function is a known mechanism of disease in this gene and is associated with hypertrophic cardiomyopathy 12 (MIM#612124); The condition associated with this gene has incomplete penetrance. Age-related penetrance has been observed (PMID: 33035702). Additionally, a meta-analysis found that the penetrance for CSRP3 variants is approximately 38%, with the age of diagnosis being 54.1 years old (95% CI, 49.4-58.8); however, the authors acknowledged the sample size was small (PMID: 37929589); Inheritance information for this variant is not currently available in this individual.

Women's Health and Genetics/Laboratory Corporation of America, LabCorp
Classification: Likely pathogenic for Primary familial hypertrophic cardiomyopathy. Last evaluated: 2026-01-19. Review status: criteria provided, single submitter. Criteria: LabCorp Variant Classification Summary - May 2015. Collection method: clinical testing. Allele origin: germline.
Comment: Variant summary: CSRP3 c.449G>A (p.Cys150Tyr) results in a non-conservative amino acid change in the encoded protein sequence. Algorithms developed to predict the effect of missense changes on protein structure and function all suggest that this variant is likely to be disruptive. The variant allele was found at a frequency of 1.2e-05 in 251422 control chromosomes. c.449G>A has been observed in multiple individuals affected with Hypertrophic Cardiomyopathy and at least two individuals with Arrhythmia (e.g. Lopes_2013, Salazar-Mendigucha_2020, Tadros_2021, Yoneda_2021, internal data). In one study, the variant was identified in a total of 16 individuals affected with HCM and in 12 unaffected family members from 11 different families, suggesting it may have reduced penetrance (Salazar-Mendigucha_2020). Notably, in this cohort, the variant was associated with a late onset (mean age at diagnosis of approximately 55 years of age) and therefore several of these unaffected individuals may later manifest the disease. These data indicate that the variant is likely to be associated with disease. The following publications have been ascertained in the context of this evaluation (PMID: 23396983, 33035702, 33495596, 34495297). To our knowledge, no experimental evidence demonstrating an impact on protein function has been reported. ClinVar contains an entry for this variant (Variation ID: 219444). Based on the evidence outlined above, the variant was classified as likely pathogenic.

Labcorp Genetics (formerly Invitae), Labcorp
Classification: Pathogenic for Hypertrophic cardiomyopathy 12; Dilated cardiomyopathy 1M. Last evaluated: 2025-12-08. Review status: criteria provided, single submitter. Criteria: Invitae Variant Classification Sherloc (09022015). Collection method: clinical testing. Allele origin: germline.
Comment: This sequence change replaces cysteine, which is neutral and slightly polar, with tyrosine, which is neutral and polar, at codon 150 of the CSRP3 protein (p.Cys150Tyr). This variant is present in population databases (rs761507504, gnomAD 0.004%). This missense change has been observed in individuals with hypertrophic cardiomyopathy (PMID: 23396983, 25351510, 33035702; internal data). It has also been observed to segregate with disease in related individuals. ClinVar contains an entry for this variant (Variation ID: 219444). An algorithm developed to predict the effect of missense changes on protein structure and function (PolyPhen-2) suggests that this variant is likely to be disruptive. For these reasons, this variant has been classified as Pathogenic.

Ambry Genetics
Classification: Likely pathogenic for Cardiovascular phenotype. Last evaluated: 2025-06-30. Review status: criteria provided, single submitter. Criteria: Ambry Variant Classification Scheme 2023. Collection method: clinical testing. Allele origin: germline.
Comment: The p.C150Y variant (also known as c.449G>A), located in coding exon 4 of the CSRP3 gene, results from a G to A substitution at nucleotide position 449. The cysteine at codon 150 is replaced by tyrosine, an amino acid with highly dissimilar properties. In one study, this variant was detected in 11 probands and 5 affected relatives with hypertrophic cardiomyopathy (HCM) as well as in 12 unaffected individuals, suggesting it may exhibit reduced penetrance (Salazar-Mendiguch&iacute;a J et al. Eur J Med Genet. 2020 Dec;63(12):104079). This variant has also been reported in a hypertrophic cardiomyopathy cohort; however, clinical details were limited and cases may overlap (Lopes LR et al. Heart, 2015 Feb;101:294-301). This amino acid position is highly conserved in available vertebrate species. In addition, this alteration is predicted to be deleterious by in silico analysis. Based on the majority of available evidence to date, this variant is likely to be pathogenic.

Revvity Omics, Revvity
Classification: Likely pathogenic. Last evaluated: 2025-05-30. Review status: criteria provided, single submitter. Criteria: ACMG Guidelines, 2015. Collection method: clinical testing. Allele origin: germline.

Molecular Diagnostic Laboratory for Inherited Cardiovascular Disease, Montreal Heart Institute
Classification: Likely pathogenic for Cardiovascular phenotype. Last evaluated: 2024-11-06. Review status: criteria provided, single submitter. Criteria: ACMG Guidelines, 2015. Collection method: clinical testing. Allele origin: germline. Affected: yes.
Comment: PS4, PM2, PP1_mod, PP3

CHEO Genetics Diagnostic Laboratory, Children's Hospital of Eastern Ontario
Classification: Pathogenic for Cardiomyopathy. Last evaluated: 2024-06-14. Review status: criteria provided, single submitter. Criteria: ACMG Guidelines, 2015. Collection method: clinical testing. Allele origin: germline. Study: Canadian Open Genetics Repository.

Stanford Center for Inherited Cardiovascular Disease, Stanford University
Classification: Uncertain significance. Last evaluated: 2015-09-28. Review status: criteria provided, single submitter. Criteria: ACMG Guidelines, 2015. Collection method: provider interpretation. Allele origin: germline.

Laboratory for Molecular Medicine, Mass General Brigham Personalized Medicine
Classification: Uncertain significance. Last evaluated: 2015-05-18. Review status: flagged submission. Criteria: LMM Criteria. Collection method: clinical testing. Allele origin: germline. Observed: 1 variant allele. Not counted in ClinVar's aggregate classification.
Comment: The p.Cys150Tyr variant in CSRP3 has not been previously reported in individuals with cardiomyopathy, but has been identified in 1/66720 European chromosomes by the Exome Aggregation Consortium (ExAC). Comput ational prediction tools and conservation analysis suggest that this variant may impact the protein, though this information is not predictive enough to determi ne pathogenicity. In summary, the clinical significance of the p.Cys150Tyr varia nt is uncertain.
ClinVar note: Reason: Older claim that does not account for recent evidence

Literature cited by the submitters: PubMed 25351510 (cited by Victorian Clinical Genetics Services, Murdoch Childrens Research Institute and Labcorp Genetics (formerly Invitae), Labcorp); PubMed 23396983 (cited by 4 submitters); PubMed 37929589 (cited by Victorian Clinical Genetics Services, Murdoch Childrens Research Institute); PubMed 33035702 (cited by 4 submitters); PubMed 34495297 (cited by Women's Health and Genetics/Laboratory Corporation of America, LabCorp and Ambry Genetics); PubMed 33495596 (cited by Women's Health and Genetics/Laboratory Corporation of America, LabCorp and Ambry Genetics); PubMed 32697969 (cited by Ambry Genetics); PubMed 33495597 (cited by Ambry Genetics).

NM_003476.5(CSRP3):c.449G>A (p.Cys150Tyr)

Gene: CSRP3 (cysteine and glycine rich protein 3; minus strand). Cytogenetic location: 11p15.1.
Variant type: single nucleotide variant.
Coding change: c.449G>A on transcript NM_003476.5 (MANE Select); coding-DNA position 449, G replaced by A.
Protein change: p.Cys150Tyr; replaces cysteine 150 with tyrosine.
Molecular consequence: missense variant.
Genome position (GRCh38, 1-based): chr11:19,185,011, C>T on the plus strand (G>A on the coding strand, the complement: CSRP3 is on the minus strand). VCF-style: chr11-19185011-C-T. GRCh37 (hg19) VCF-style: chr11-19206558-C-T.
Other names: c.280G>A, p.Val94Met (NM_001369404.1); short protein forms C150Y, V94M.
Identifiers: ClinVar variation 219444 (VCV000219444.31), dbSNP rs761507504, ClinGen allele CA348182.
Genomic context (GRCh38, chr11:19,185,011, plus strand): 5'-CCTTTGCAATAAAGTTCCCCATCTTTGTCAGTGACATTTGTGGACTCCAGACTCTTCCCA[C>T]AGATGGCACAGCGGAAACAGGTCTTGTGCCAAGGCTGAGGGGCACAGAAAAGTTGCATAT-3'
Protein context (NP_003467.1, residues 140-160): WHKTCFRCAI[Cys150Tyr]GKSLESTNVT